The following is an entry in ClinVar:

NM_024309.4(TNIP2):c.706G>A (p.Glu236Lys)

Gene: TNIP2 (TNFAIP3 interacting protein 2; minus strand). Cytogenetic location: 4p16.3.
Variant type: single nucleotide variant.
Coding change: c.706G>A on transcript NM_024309.4 (MANE Select); coding-DNA position 706, G replaced by A.
Protein change: p.Glu236Lys; replaces glutamic acid 236 with lysine.
Molecular consequence: missense variant. On other transcripts: intron variant (1).
Genome position (GRCh38, 1-based): chr4:2,744,897, C>T on the plus strand (G>A on the coding strand, the complement: TNIP2 is on the minus strand). VCF-style: chr4-2744897-C-T. GRCh37 (hg19) VCF-style: chr4-2746624-C-T.
Other names: c.385G>A, p.Glu129Lys (NM_001161527.2); c.658-391G>A (NM_001292016.2); short protein forms E129K, E236K.
Identifiers: ClinVar variation 2654589 (VCV002654589.24), dbSNP rs770013204, ClinGen allele CA91395954.

ClinVar aggregate classification (germline): Uncertain significance (1 of 4 stars; one submission).

Allele frequency attached by ClinVar (database versions not stated): gnomAD exomes below 0.00001; TOPMed below 0.00001.

Submission:

CeGaT Center for Human Genetics Tuebingen
Classification: Uncertain significance. Last evaluated: 2023-09-01. Review status: criteria provided, single submitter. Criteria: CeGaT Center For Human Genetics Tuebingen Variant Classification Criteria Version 2. Collection method: clinical testing. Allele origin: germline. Affected: yes. Observed: 1 variant allele.
Comment: TNIP2: PM2